The following is an entry in ClinVar:

NM_020457.3(THAP11):c.120G>A (p.Val40=)

Genes: CENPT (centromere protein T; minus strand), THAP11 (THAP domain containing 11; plus strand). Cytogenetic location: 16q22.1.
Variant type: single nucleotide variant.
Coding change: c.120G>A on transcript NM_020457.3 (MANE Select); coding-DNA position 120, G replaced by A.
Protein change: p.Val40=; no amino-acid change (valine 40 retained).
Molecular consequence: synonymous variant. On other transcripts: intron variant (1).
Genome position (GRCh38, 1-based): chr16:67,842,674, G>A. VCF-style: chr16-67842674-G-A. GRCh37 (hg19) VCF-style: chr16-67876577-G-A.
Other names: c.-492+4727C>T (NM_025082.4).
Identifiers: ClinVar variation 2075484 (VCV002075484.5), dbSNP rs1131526, ClinGen allele CA8118120.
Genomic context (GRCh38, chr16:67,842,674, plus strand): 5'-GCTGCACTTCTACACGTTTCCAAAGGACGCTGAGTTGCGGCGCCTCTGGCTCAAGAACGT[G>A]TCGCGTGCCGGCGTCAGTGGGTGCTTCTCCACCTTCCAGCCCACCACAGGCCACCGTCTC-3'
Protein context (NP_065190.2, residues 30-50): AELRRLWLKN[Val40=]SRAGVSGCFS

ClinVar aggregate classification (germline): Likely benign. Review status: criteria provided, multiple submitters, no conflicts (2 of 4 stars). 2 submissions from 2 submitters: Likely benign (2). Last evaluated 2026-09-01.

Allele frequency attached by ClinVar (database versions not stated): TOPMed 0.00022; gnomAD 0.00027; gnomAD exomes 0.00030; ExAC 0.00039; 1000 Genomes Project 0.00040; 1000 Genomes Project 30x 0.00047; ESP Exome Variant Server 0.00054.
gnomAD v4.1: 466 of 1,575,510 alleles (0.03%); highest among the groups gnomAD compares: Admixed American, 0.048%; no homozygotes.

Submissions (2):

CeGaT Center for Human Genetics Tuebingen
Classification: Likely benign. Last evaluated: 2026-09-01. Review status: criteria provided, single submitter. Criteria: CeGaT Center For Human Genetics Tuebingen Variant Classification Criteria Version 2. Collection method: clinical testing. Allele origin: germline. Affected: yes. Observed: 1 variant allele.
Comment: THAP11: BP4, BP7

Labcorp Genetics (formerly Invitae), Labcorp
Classification: Likely benign. Last evaluated: 2025-10-29. Review status: criteria provided, single submitter. Criteria: Invitae Variant Classification Sherloc (09022015). Collection method: clinical testing. Allele origin: germline.